The following is an entry in ClinVar:

ClinVar aggregate classification (germline): Uncertain significance. Review status: criteria provided, multiple submitters, no conflicts (2 of 4 stars). 4 submissions from 4 submitters: Uncertain significance (4). Last evaluated 2025-08-04.

Conditions:
Lynch syndrome 4 (LYNCH4). Also called: Colorectal cancer, hereditary nonpolyposis, type 4; Hereditary non-polyposis colorectal cancer, type 4. Identifiers: Orphanet 144, MedGen C1838333, MONDO:0013699, OMIM 614337. Disease mechanism: loss of function.
Hereditary nonpolyposis colorectal neoplasms. Identifiers: MedGen C0009405, MeSH D003123.
Hereditary cancer-predisposing syndrome. Also called: Neoplastic Syndromes, Hereditary; Tumor predisposition; Hereditary Cancer Syndrome; Hereditary neoplastic syndrome. Identifiers: Orphanet 140162, MedGen C0027672, MeSH D009386, MONDO:0015356.

Submissions (4):

Labcorp Genetics (formerly Invitae), Labcorp
Classification: Uncertain significance for Hereditary nonpolyposis colorectal neoplasms. Last evaluated: 2025-08-04. Review status: criteria provided, single submitter. Criteria: Invitae Variant Classification Sherloc (09022015). Collection method: clinical testing. Allele origin: germline.
Comment: This sequence change replaces glycine, which is neutral and non-polar, with aspartic acid, which is acidic and polar, at codon 105 of the PMS2 protein (p.Gly105Asp). This variant is not present in population databases (gnomAD no frequency). This missense change has been observed in individual(s) with clinical features of Lynch syndrome (PMID: 31992580). ClinVar contains an entry for this variant (Variation ID: 231866). Invitae Evidence Modeling incorporating data from in vitro experimental studies (internal data) indicates that this missense variant is expected to disrupt PMS2 function with a positive predictive value of 95%. In summary, the available evidence is currently insufficient to determine the role of this variant in disease. Therefore, it has been classified as a Variant of Uncertain Significance.

Ambry Genetics
Classification: Uncertain significance for Hereditary cancer-predisposing syndrome. Last evaluated: 2025-07-22. Review status: criteria provided, single submitter. Criteria: Ambry Variant Classification Scheme 2023. Collection method: clinical testing. Allele origin: germline.
Comment: The p.G105D variant (also known as c.314G>A), located in coding exon 4 of the PMS2 gene, results from a G to A substitution at nucleotide position 314. The glycine at codon 105 is replaced by aspartic acid, an amino acid with similar properties. The amino acid position is highly conserved in available vertebrate species. In addition, this alteration is predicted to be deleterious by in silico analysis. Based on the available evidence, the clinical significance of this variant remains unclear.

Baylor Genetics
Classification: Uncertain significance for Lynch syndrome 4. Last evaluated: 2024-02-15. Review status: criteria provided, single submitter. Criteria: ACMG Guidelines, 2015. Collection method: clinical testing. Allele origin: unknown.

Color Diagnostics, LLC DBA Color Health
Classification: Uncertain significance for Hereditary cancer-predisposing syndrome. Last evaluated: 2018-10-02. Review status: criteria provided, single submitter. Criteria: ACMG Guidelines, 2015. Collection method: clinical testing. Allele origin: germline.

Literature cited by the submitters: PubMed 31992580 (cited by Labcorp Genetics (formerly Invitae), Labcorp and Ambry Genetics).

NM_000535.7(PMS2):c.314G>A (p.Gly105Asp)

Gene: PMS2 (PMS1 homolog 2, mismatch repair system component; minus strand). Cytogenetic location: 7p22.1.
Variant type: single nucleotide variant.
Coding change: c.314G>A on transcript NM_000535.7 (MANE Select); coding-DNA position 314, G replaced by A.
Protein change: p.Gly105Asp; replaces glycine 105 with aspartic acid.
Molecular consequence: missense variant. On other transcripts: 5 prime UTR variant (9), non-coding transcript variant (1), intron variant (2).
Genome position (GRCh38, 1-based): chr7:6,003,729, C>T on the plus strand (G>A on the coding strand, the complement: PMS2 is on the minus strand). VCF-style: chr7-6003729-C-T. GRCh37 (hg19) VCF-style: chr7-6043360-C-T.
Other names: c.-92G>A (NM_001322003.2, NM_001322004.2, NM_001322005.2 and 3 more transcripts); c.314G>A, p.Gly105Asp (NM_001322006.2, NM_001322014.2); c.-571G>A (NM_001322011.2, NM_001322012.2); c.-171G>A (NM_001322015.2); c.35+243G>A (NM_001322008.2, NM_001322007.2); short protein forms G105D.
Identifiers: ClinVar variation 231866 (VCV000231866.18), dbSNP rs876659413, ClinGen allele CA10578719.